The following is an entry in ClinVar:

NM_138395.4(MARS2):c.452G>C (p.Trp151Ser)

Gene: MARS2 (methionyl-tRNA synthetase 2, mitochondrial; plus strand). Cytogenetic location: 2q33.1.
Variant type: single nucleotide variant.
Coding change: c.452G>C on transcript NM_138395.4 (MANE Select); coding-DNA position 452, G replaced by C.
Protein change: p.Trp151Ser; replaces tryptophan 151 with serine.
Molecular consequence: missense variant.
Genome position (GRCh38, 1-based): chr2:197,705,857, G>C. VCF-style: chr2-197705857-G-C. GRCh37 (hg19) VCF-style: chr2-198570581-G-C.
Other names: c.452G>C (NM_138395.3); short protein forms W151S.
Identifiers: ClinVar variation 2906035 (VCV002906035.5), dbSNP rs746799979, ClinGen allele CA2044582.

ClinVar aggregate classification (germline): Uncertain significance. Review status: criteria provided, multiple submitters, no conflicts (2 of 4 stars). 3 submissions from 3 submitters: Uncertain significance (3). Last evaluated 2025-08-03.

Submissions (3):

Ambry Genetics
Classification: Uncertain significance. Last evaluated: 2025-08-03. Review status: criteria provided, single submitter. Criteria: Ambry Variant Classification Scheme 2023. Collection method: clinical testing. Allele origin: germline.

Labcorp Genetics (formerly Invitae), Labcorp
Classification: Uncertain significance. Last evaluated: 2023-04-23. Review status: criteria provided, single submitter. Criteria: Invitae Variant Classification Sherloc (09022015). Collection method: clinical testing. Allele origin: germline.
Comment: In summary, the available evidence is currently insufficient to determine the role of this variant in disease. Therefore, it has been classified as a Variant of Uncertain Significance. This sequence change replaces tryptophan, which is neutral and slightly polar, with serine, which is neutral and polar, at codon 151 of the MARS2 protein (p.Trp151Ser). This variant is present in population databases (rs746799979, gnomAD 0.007%). This variant has not been reported in the literature in individuals affected with MARS2-related conditions. Advanced modeling of protein sequence and biophysical properties (such as structural, functional, and spatial information, amino acid conservation, physicochemical variation, residue mobility, and thermodynamic stability) performed at Invitae indicates that this missense variant is expected to disrupt MARS2 protein function.

Blueprint Genetics
Classification: Uncertain significance. Last evaluated: 2020-09-15. Review status: criteria provided, single submitter. Criteria: ACMG Guidelines, 2015. Collection method: clinical testing. Allele origin: germline.